The following is an entry in ClinVar:

ClinVar aggregate classification (germline): Benign (0 of 4 stars; one submission).

Conditions:
SMAD7-related disorder. Also called: SMAD7-related condition.

Allele frequency attached by ClinVar (database versions not stated): 1000 Genomes Project 0.08786; 1000 Genomes Project 30x 0.08807; TOPMed 0.12856; gnomAD 0.13449; ESP Exome Variant Server 0.14070; ExAC 0.14440; gnomAD exomes 0.17325.
gnomAD v4.1: 273,137 of 1,612,284 alleles (17%); highest among the groups gnomAD compares: Middle Eastern, 21%; 25,123 homozygotes.

Submission:

PreventionGenetics, part of Exact Sciences
Classification: Benign for SMAD7-related condition. Last evaluated: 2019-11-04. Review status: no assertion criteria provided. Collection method: clinical testing. Allele origin: germline.
Comment: This variant is classified as benign based on ACMG/AMP sequence variant interpretation guidelines (Richards et al. 2015 PMID: 25741868, with internal and published modifications).

NM_005904.4(SMAD7):c.668-21C>T

Genes: SMAD7 (SMAD family member 7; minus strand), LOC126862741 (P300/CBP strongly-dependent group 1 enhancer GRCh37_chr18:46468263-46469462; plus strand). Cytogenetic location: 18q21.1.
Variant type: single nucleotide variant.
Coding change: c.668-21C>T on transcript NM_005904.4 (MANE Select); 21 bases into the intron before coding-DNA position 668, C replaced by T.
Molecular consequence: intron variant. On other transcripts: missense variant (1).
Genome position (GRCh38, 1-based): chr18:48,942,576, G>A on the plus strand (C>T on the coding strand, the complement: SMAD7 is on the minus strand). VCF-style: chr18-48942576-G-A. GRCh37 (hg19) VCF-style: chr18-46468946-G-A.
Other names: c.83C>T, p.Ser28Phe (NM_001190823.2); c.668-24C>T (NM_001190821.2); c.23-21C>T (NM_001190822.2); short protein forms S28F.
Identifiers: ClinVar variation 3059472 (VCV003059472.2), dbSNP rs3764482, ClinGen allele CA8957707.